The following is an entry in ClinVar:

NM_001845.6(COL4A1):c.70C>T (p.Arg24Trp)

Gene: COL4A1 (collagen type IV alpha 1 chain; minus strand). Cytogenetic location: 13q34.
Variant type: single nucleotide variant.
Coding change: c.70C>T on transcript NM_001845.6 (MANE Select); coding-DNA position 70, C replaced by T.
Protein change: p.Arg24Trp; replaces arginine 24 with tryptophan.
Molecular consequence: missense variant.
Genome position (GRCh38, 1-based): chr13:110,306,958, G>A on the plus strand (C>T on the coding strand, the complement: COL4A1 is on the minus strand). VCF-style: chr13-110306958-G-A. GRCh37 (hg19) VCF-style: chr13-110959305-G-A.
Other names: c.70C>T, p.Arg24Trp (NM_001303110.2); short protein forms R24W.
Identifiers: ClinVar variation 3018019 (VCV003018019.3), dbSNP rs1368341216, ClinGen allele CA388732494.

ClinVar aggregate classification (germline): Uncertain significance (1 of 4 stars; one submission).

Allele frequency attached by ClinVar (database versions not stated): TOPMed below 0.00001.

Submission:

Labcorp Genetics (formerly Invitae), Labcorp
Classification: Uncertain significance. Last evaluated: 2023-06-05. Review status: criteria provided, single submitter. Criteria: Invitae Variant Classification Sherloc (09022015). Collection method: clinical testing. Allele origin: germline.
Comment: In summary, the available evidence is currently insufficient to determine the role of this variant in disease. Therefore, it has been classified as a Variant of Uncertain Significance. Advanced modeling of protein sequence and biophysical properties (such as structural, functional, and spatial information, amino acid conservation, physicochemical variation, residue mobility, and thermodynamic stability) performed at Invitae indicates that this missense variant is not expected to disrupt COL4A1 protein function. This variant has not been reported in the literature in individuals affected with COL4A1-related conditions. This variant is not present in population databases (gnomAD no frequency). This sequence change replaces arginine, which is basic and polar, with tryptophan, which is neutral and slightly polar, at codon 24 of the COL4A1 protein (p.Arg24Trp).